The following is an entry in ClinVar:

ClinVar aggregate classification (germline): Uncertain significance (1 of 4 stars; one submission).

Conditions:
Cystic fibrosis (CF). Also called: MUCOVISCIDOSIS. Identifiers: Orphanet 586, MedGen C0010674, MONDO:0009061, OMIM 219700. Disease mechanism: loss of function.

Allele frequency attached by ClinVar (database versions not stated): TOPMed below 0.00001.

Submission:

Ambry Genetics
Classification: Uncertain significance for Cystic fibrosis. Last evaluated: 2025-11-20. Review status: criteria provided, single submitter. Criteria: Ambry Variant Classification Scheme 2023. Collection method: clinical testing. Allele origin: germline.
Comment: The p.Q689P variant (also known as c.2066A>C), located in coding exon 14 of the CFTR gene, results from an A to C substitution at nucleotide position 2066. The glutamine at codon 689 is replaced by proline, an amino acid with similar properties. This amino acid position is well conserved in available vertebrate species. In addition, this alteration is predicted to be deleterious by in silico analysis. Since supporting evidence is limited at this time, the clinical significance of this alteration remains unclear.

NM_000492.4(CFTR):c.2066A>C (p.Gln689Pro)

Gene: CFTR (CF transmembrane conductance regulator; plus strand). Cytogenetic location: 7q31.2.
Variant type: single nucleotide variant.
Coding change: c.2066A>C on transcript NM_000492.4 (MANE Select); coding-DNA position 2066, A replaced by C.
Protein change: p.Gln689Pro; replaces glutamine 689 with proline.
Molecular consequence: missense variant.
Genome position (GRCh38, 1-based): chr7:117,592,233, A>C. VCF-style: chr7-117592233-A-C. GRCh37 (hg19) VCF-style: chr7-117232287-A-C.
Other names: short protein forms Q689P.
Identifiers: ClinVar variation 1785289 (VCV001785289.3), dbSNP rs1792040386, ClinGen allele CA368979527.
Genomic context (GRCh38, chr7:117,592,233, plus strand): 5'-TCTCATTAGAAGGAGATGCTCCTGTCTCCTGGACAGAAACAAAAAAACAATCTTTTAAAC[A>C]GACTGGAGAGTTTGGGGAAAAAAGGAAGAATTCTATTCTCAATCCAATCAACTCTATACG-3'
Protein context (NP_000483.3, residues 679-699): WTETKKQSFK[Gln689Pro]TGEFGEKRKN